The following is an entry in ClinVar:

ClinVar aggregate classification (germline): Uncertain significance (1 of 4 stars; one submission).

Conditions:
Capillary malformation-arteriovenous malformation syndrome. Also called: Capillary malformation-arteriovenous malformation. Identifiers: Orphanet 137667, MedGen C1842180, MONDO:0012016.

Allele frequency attached by ClinVar (database versions not stated): gnomAD exomes below 0.00001.
gnomAD v4.1: 1 of 1,592,842 alleles (0.000063%); highest among the groups gnomAD compares: Non-Finnish European, 0.000085%; no homozygotes.

Submission:

Labcorp Genetics (formerly Invitae), Labcorp
Classification: Uncertain significance for Capillary malformation-arteriovenous malformation syndrome. Last evaluated: 2024-04-04. Review status: criteria provided, single submitter. Criteria: Invitae Variant Classification Sherloc (09022015). Collection method: clinical testing. Allele origin: germline.
Comment: This sequence change replaces serine, which is neutral and polar, with phenylalanine, which is neutral and non-polar, at codon 27 of the RASA1 protein (p.Ser27Phe). This variant is not present in population databases (gnomAD no frequency). This variant has not been reported in the literature in individuals affected with RASA1-related conditions. An algorithm developed to predict the effect of missense changes on protein structure and function (PolyPhen-2) suggests that this variant is likely to be disruptive. In summary, the available evidence is currently insufficient to determine the role of this variant in disease. Therefore, it has been classified as a Variant of Uncertain Significance.

NM_002890.3(RASA1):c.80C>T (p.Ser27Phe)

Gene: RASA1 (RAS p21 protein activator 1; plus strand). Cytogenetic location: 5q14.3.
Variant type: single nucleotide variant.
Coding change: c.80C>T on transcript NM_002890.3 (MANE Select); coding-DNA position 80, C replaced by T.
Protein change: p.Ser27Phe; replaces serine 27 with phenylalanine.
Molecular consequence: missense variant.
Genome position (GRCh38, 1-based): chr5:87,268,531, C>T. VCF-style: chr5-87268531-C-T. GRCh37 (hg19) VCF-style: chr5-86564348-C-T.
Other names: short protein forms S27F.
Identifiers: ClinVar variation 2888181 (VCV002888181.3), dbSNP rs2531002176, ClinGen allele CA360416740.